The following is an entry in ClinVar:

ClinVar aggregate classification (germline): Pathogenic. Review status: reviewed by expert panel (3 of 4 stars). 4 submissions from 4 submitters: Pathogenic (1). 3 of the submissions do not count toward it. Last evaluated 2016-10-18.

Conditions:
Breast-ovarian cancer, familial, susceptibility to, 2 (BROVCA2). Also called: BRCA2 Hereditary Breast and Ovarian Cancer. Identifiers: Orphanet 145, MedGen C2675520, MONDO:0012933, OMIM 612555. Disease mechanism: loss of function.
Hereditary breast ovarian cancer syndrome. Also called: BRCA1- and BRCA2-Associated Hereditary Breast and Ovarian Cancer; Hereditary breast and ovarian cancer; Breast and ovarian cancer; Hereditary breast and/or ovarian cancer syndrome; Hereditary breast and ovarian cancer syndrome; Hereditary breast and ovarian cancer syndrome (HBOC). Identifiers: Orphanet 145, MedGen C0677776, MeSH D061325, MONDO:0003582. Disease mechanism: loss of function.

Submissions (4):

Evidence-based Network for the Interpretation of Germline Mutant Alleles (ENIGMA)
Classification: Pathogenic for Breast-ovarian cancer, familial, susceptibility to, 2. Last evaluated: 2016-10-18. Review status: reviewed by expert panel. Criteria: ENIGMA BRCA1/2 Classification Criteria (2015). Collection method: curation. Allele origin: germline.
Comment: Variant allele predicted to encode a truncated non-functional protein.

Labcorp Genetics (formerly Invitae), Labcorp
Classification: Pathogenic for Hereditary breast ovarian cancer syndrome. Last evaluated: 2024-03-20. Review status: criteria provided, single submitter. Criteria: Invitae Variant Classification Sherloc (09022015). Collection method: clinical testing. Allele origin: germline. Not counted in ClinVar's aggregate classification.
Comment: This sequence change creates a premature translational stop signal (p.Leu2838*) in the BRCA2 gene. It is expected to result in an absent or disrupted protein product. Loss-of-function variants in BRCA2 are known to be pathogenic (PMID: 20104584). This variant is not present in population databases (gnomAD no frequency). This premature translational stop signal has been observed in individual(s) with BRCA2-related conditions (PMID: 29446198, 33629534). ClinVar contains an entry for this variant (Variation ID: 267092). For these reasons, this variant has been classified as Pathogenic.

Myriad Genetics, Inc.
Classification: Pathogenic for Breast-ovarian cancer, familial, susceptibility to, 2. Last evaluated: 2023-11-20. Review status: criteria provided, single submitter. Criteria: Myriad Autosomal Dominant, Autosomal Recessive and X-Linked Classification Criteria (2023). Collection method: clinical testing. Allele origin: unknown. Not counted in ClinVar's aggregate classification.
Comment: This variant is considered pathogenic. This variant creates a termination codon and is predicted to result in premature protein truncation.

Consortium of Investigators of Modifiers of BRCA1/2 (CIMBA), c/o University of Cambridge
Classification: Pathogenic for Breast-ovarian cancer, familial, susceptibility to, 2. Last evaluated: 2015-10-02. Review status: criteria provided, single submitter. Criteria: CIMBA Mutation Classification guidelines May 2016. Collection method: clinical testing. Allele origin: germline. Not counted in ClinVar's aggregate classification.

Literature cited by the submitters: PubMed 20104584 (cited by Labcorp Genetics (formerly Invitae), Labcorp); PubMed 29446198 (cited by Labcorp Genetics (formerly Invitae), Labcorp); PubMed 33629534 (cited by Labcorp Genetics (formerly Invitae), Labcorp).

NM_000059.4(BRCA2):c.8513T>A (p.Leu2838Ter)

Gene: BRCA2 (BRCA2 DNA repair associated; plus strand). Cytogenetic location: 13q13.1.
Variant type: single nucleotide variant.
Coding change: c.8513T>A on transcript NM_000059.4 (MANE Select); coding-DNA position 8513, T replaced by A.
Protein change: p.Leu2838Ter; replaces leucine 2838 with a stop codon.
Molecular consequence: nonsense.
Genome position (GRCh38, 1-based): chr13:32,370,981, T>A. VCF-style: chr13-32370981-T-A. GRCh37 (hg19) VCF-style: chr13-32945118-T-A.
Other names: 8741T>A; short protein forms L2838*.
Identifiers: ClinVar variation 267092 (VCV000267092.8), dbSNP rs886040779, ClinGen allele CA10589502.